The following is an entry in ClinVar:

NM_000388.4(CASR):c.3197G>T (p.Gly1066Val)

Gene: CASR (calcium sensing receptor; plus strand). Cytogenetic location: 3q21.1.
Variant type: single nucleotide variant.
Coding change: c.3197G>T on transcript NM_000388.4 (MANE Select); coding-DNA position 3197, G replaced by T.
Protein change: p.Gly1066Val; replaces glycine 1066 with valine.
Molecular consequence: missense variant.
Genome position (GRCh38, 1-based): chr3:122,285,151, G>T. VCF-style: chr3-122285151-G-T. GRCh37 (hg19) VCF-style: chr3-122003998-G-T.
Other names: c.3227G>T, p.Gly1076Val (NM_001178065.2); short protein forms G1066V, G1076V.
Identifiers: ClinVar variation 1362413 (VCV001362413.8), dbSNP rs769439564, ClinGen allele CA354161762.

ClinVar aggregate classification (germline): Uncertain significance. Review status: criteria provided, multiple submitters, no conflicts (2 of 4 stars). 2 submissions from 2 submitters: Uncertain significance (2). Last evaluated 2025-10-21.

Conditions:
Nephrolithiasis/nephrocalcinosis. Identifiers: MedGen CN580796.
Autosomal dominant hypocalcemia 1 (HYPOC1). Also called: HYPOCALCEMIA, FAMILIAL. Identifiers: MedGen C3715128, MONDO:0011013, OMIM 601198.
Familial hypocalciuric hypercalcemia (FHH). Also called: Familial benign hypercalcemia. Identifiers: Orphanet 405, MedGen C1809471, MONDO:0018458.

gnomAD v4.1: 3 of 1,614,184 alleles (0.00019%); highest among the groups gnomAD compares: Non-Finnish European, 0.00025%; no homozygotes.

Submissions (2):

Labcorp Genetics (formerly Invitae), Labcorp
Classification: Uncertain significance for Familial hypocalciuric hypercalcemia; Autosomal dominant hypocalcemia 1. Last evaluated: 2025-10-21. Review status: criteria provided, single submitter. Criteria: Invitae Variant Classification Sherloc (09022015). Collection method: clinical testing. Allele origin: germline.
Comment: This sequence change replaces glycine, which is neutral and non-polar, with valine, which is neutral and non-polar, at codon 1066 of the CASR protein (p.Gly1066Val). This variant is not present in population databases (gnomAD no frequency). This variant has not been reported in the literature in individuals affected with CASR-related conditions. ClinVar contains an entry for this variant (Variation ID: 1362413). An algorithm developed to predict the effect of missense changes on protein structure and function (PolyPhen-2) suggests that this variant is likely to be disruptive. In summary, the available evidence is currently insufficient to determine the role of this variant in disease. Therefore, it has been classified as a Variant of Uncertain Significance.

Ambry Genetics
Classification: Uncertain significance for Nephrolithiasis/nephrocalcinosis. Last evaluated: 2021-10-12. Review status: criteria provided, single submitter. Criteria: Ambry Variant Classification Scheme 2023. Collection method: clinical testing. Allele origin: germline.
Comment: The p.G1066V variant (also known as c.3197G>T), located in coding exon 6 of the CASR gene, results from a G to T substitution at nucleotide position 3197. The glycine at codon 1066 is replaced by valine, an amino acid with dissimilar properties. This amino acid position is conserved. In addition, the in silico prediction for this alteration is inconclusive. Since supporting evidence is limited at this time, the clinical significance of this alteration remains unclear.